The following is an entry in ClinVar:

NM_000218.3(KCNQ1):c.386+16523A>G

Gene: KCNQ1 (potassium voltage-gated channel subfamily Q member 1; plus strand). Cytogenetic location: 11p15.5.
Variant type: single nucleotide variant.
Coding change: c.386+16523A>G on transcript NM_000218.3 (MANE Select); 16523 bases into the intron after coding-DNA position 386, A replaced by G.
Molecular consequence: intron variant.
Genome position (GRCh38, 1-based): chr11:2,462,007, A>G. VCF-style: chr11-2462007-A-G. GRCh37 (hg19) VCF-style: chr11-2483237-A-G.
Other names: c.24+16523A>G (NM_001406837.1); c.386+16523A>G (NM_001406836.1, NM_001406838.1); c.5+293A>G (NM_181798.2).
Identifiers: ClinVar variation 680939 (VCV000680939.4), dbSNP rs372562223, ClinGen allele CA036473.
Genomic context (GRCh38, chr11:2,462,007, plus strand): 5'-TCCTGGGGGAAGGTCTGGAGAGGGCCTCTCGGTGAGTGTGGACTCAGCCAGCCTAGTCCC[A>G]ATACAGCTGGGATGCATTGCTGCTCCTTCCGCCATCCCAGCAGCTGTCCAGAGATGAGAC-3'

ClinVar aggregate classification (germline): Likely benign. Review status: criteria provided, multiple submitters, no conflicts (2 of 4 stars). 2 submissions from 2 submitters: Likely benign (2). Last evaluated 2018-06-14.

Allele frequency attached by ClinVar (database versions not stated): 1000 Genomes Project 0.01757; 1000 Genomes Project 30x 0.01983; TOPMed 0.02445; gnomAD exomes 0.02529 and 0.03755; gnomAD 0.02645 and 0.02700; ExAC 0.05882.
gnomAD v4.1: 11,443 of 350,032 alleles (3.3%); highest among the groups gnomAD compares: South Asian, 4.9%; 268 homozygotes.

Submissions (2):

GeneDx
Classification: Likely benign. Last evaluated: 2018-06-14. Review status: criteria provided, single submitter. Criteria: GeneDx Variant Classification (06012015). Collection method: clinical testing. Allele origin: germline. Affected: yes.
Comment: This variant is considered likely benign or benign based on one or more of the following criteria: it is a conservative change, it occurs at a poorly conserved position in the protein, it is predicted to be benign by multiple in silico algorithms, and/or has population frequency not consistent with disease.

Breakthrough Genomics
Classification: Likely benign. Review status: criteria provided, single submitter. Criteria: ACMG Guidelines, 2015. Collection method: not provided. Allele origin: germline. Inheritance: Autosomal recessive inheritance. Affected: yes.